The following is an entry in ClinVar:

ClinVar aggregate classification (germline): Uncertain significance. Review status: criteria provided, multiple submitters, no conflicts (2 of 4 stars). 2 submissions from 2 submitters: Uncertain significance (2). Last evaluated 2025-11-24.

Conditions:
Cardiovascular phenotype. Identifiers: MedGen CN230736.

Submissions (2):

Ambry Genetics
Classification: Uncertain significance for Cardiovascular phenotype. Last evaluated: 2025-11-24. Review status: criteria provided, single submitter. Criteria: Ambry Variant Classification Scheme 2023. Collection method: clinical testing. Allele origin: germline.
Comment: The p.F234L variant (also known as c.700T>C), located in coding exon 6 of the PPP1CB gene, results from a T to C substitution at nucleotide position 700. The phenylalanine at codon 234 is replaced by leucine, an amino acid with highly similar properties. This amino acid position is conserved. In addition, this alteration is predicted to be deleterious by in silico analysis. Based on the available evidence, the clinical significance of this variant remains unclear.

Dasa
Classification: Uncertain significance. Last evaluated: 2025-05-14. Review status: criteria provided, single submitter. Criteria: DASA Assertion Criteria. Collection method: clinical testing. Allele origin: germline.
Comment: NM_002709.3(PPP1CB):c.700T>C (p.Phe234Leu) is a missense variant that results in the substitution of phenylalanine with leucine. This variant is absent from population databases. The currently available literature and clinical evidence are not sufficient to establish a definitive association between this variant and the reported condition. Therefore, this variant is classified as a variant of uncertain significance.

NM_002709.3(PPP1CB):c.700T>C (p.Phe234Leu)

Gene: PPP1CB (protein phosphatase 1 catalytic subunit beta; plus strand). Cytogenetic location: 2p23.2.
Variant type: single nucleotide variant.
Coding change: c.700T>C on transcript NM_002709.3 (MANE Select); coding-DNA position 700, T replaced by C.
Protein change: p.Phe234Leu; replaces phenylalanine 234 with leucine.
Molecular consequence: missense variant.
Genome position (GRCh38, 1-based): chr2:28,788,765, T>C. VCF-style: chr2-28788765-T-C. GRCh37 (hg19) VCF-style: chr2-29011631-T-C.
Other names: c.700T>C, p.Phe234Leu (NM_206876.2); short protein forms F234L.
Identifiers: ClinVar variation 4614739 (VCV004614739.3).
Genomic context (GRCh38, chr2:28,788,765, plus strand): 5'-GGCTGGGGAGAAAATGATCGTGGTGTTTCCTTTACTTTTGGAGCTGATGTAGTCAGTAAA[T>C]TTCTGAATCGTCATGATTTAGATTTGATTTGTCGAGCTCATCAGGTATGAAATATAAAAC-3'
Protein context (NP_002700.1, residues 224-244): FTFGADVVSK[Phe234Leu]LNRHDLDLIC